The following is an entry in ClinVar:

ClinVar aggregate classification (germline): Uncertain significance (1 of 4 stars; one submission).

Conditions:
Alzheimer disease 3 (AD3). Also called: ALZHEIMER DISEASE, FAMILIAL, 3. Identifiers: Orphanet 1020, MedGen C1843013, MONDO:0011913, OMIM 607822.
Frontotemporal dementia (FTD1). Also called: FRONTOTEMPORAL DEMENTIA WITH PARKINSONISM; FRONTOTEMPORAL LOBE DEMENTIA; MULTIPLE SYSTEM TAUOPATHY WITH PRESENILE DEMENTIA; WILHELMSEN-LYNCH DISEASE; Dementia, frontotemporal, with or without parkinsonism; Frontotemporal Dementia with Parkinsonism-17 (FTDP-17). Identifiers: Orphanet 282, MedGen C0338451, MONDO:0017276, OMIM 600274, HP:0002145.
Acne inversa, familial, 3 (ACNINV3). Identifiers: MedGen C3151038, MONDO:0013398, OMIM 613737.
Pick disease. Also called: DEMENTIA WITH LOBAR ATROPHY AND NEURONAL CYTOPLASMIC INCLUSIONS; LOBAR ATROPHY OF BRAIN; Pick's disease; PICK DISEASE OF BRAIN; Pick Disease of the Brain. Identifiers: Orphanet 282, MedGen C0236642, MONDO:0008243, OMIM 172700.

Submission:

Labcorp Genetics (formerly Invitae), Labcorp
Classification: Uncertain significance for Alzheimer disease 3; Pick disease; Acne inversa, familial, 3; Frontotemporal dementia. Last evaluated: 2025-02-03. Review status: criteria provided, single submitter. Criteria: Invitae Variant Classification Sherloc (09022015). Collection method: clinical testing. Allele origin: germline.
Comment: This sequence change replaces threonine, which is neutral and polar, with alanine, which is neutral and non-polar, at codon 354 of the PSEN1 protein (p.Thr354Ala). This variant is not present in population databases (gnomAD no frequency). This variant has not been reported in the literature in individuals affected with PSEN1-related conditions. Invitae Evidence Modeling of protein sequence and biophysical properties (such as structural, functional, and spatial information, amino acid conservation, physicochemical variation, residue mobility, and thermodynamic stability) has been performed for this missense variant. However, the output from this modeling did not meet the statistical confidence thresholds required to predict the impact of this variant on PSEN1 protein function. In summary, the available evidence is currently insufficient to determine the role of this variant in disease. Therefore, it has been classified as a Variant of Uncertain Significance.

NM_000021.4(PSEN1):c.1060A>G (p.Thr354Ala)

Gene: PSEN1 (presenilin 1; plus strand). Cytogenetic location: 14q24.2.
Variant type: single nucleotide variant.
Coding change: c.1060A>G on transcript NM_000021.4 (MANE Select); coding-DNA position 1060, A replaced by G.
Protein change: p.Thr354Ala; replaces threonine 354 with alanine.
Molecular consequence: missense variant.
Genome position (GRCh38, 1-based): chr14:73,211,873, A>G. VCF-style: chr14-73211873-A-G. GRCh37 (hg19) VCF-style: chr14-73678581-A-G.
Other names: c.1048A>G, p.Thr350Ala (NM_007318.3); short protein forms T350A, T354A.
Identifiers: ClinVar variation 3748764 (VCV003748764.2).
Genomic context (GRCh38, chr14:73,211,873, plus strand): 5'-GGCGGGTTCAGTGAGGAATGGGAAGCCCAGAGGGACAGTCATCTAGGGCCTCATCGCTCT[A>G]CACCTGAGTCACGAGCTGCTGTCCAGGAACTTTCCAGCAGTATCCTCGCTGGTGAAGACC-3'
Protein context (NP_000012.1, residues 344-364): RDSHLGPHRS[Thr354Ala]PESRAAVQEL